The following is an entry in ClinVar:

NM_006941.4(SOX10):c.1090C>T (p.Gln364Ter)

Genes: POLR2F (RNA polymerase II, I and III subunit F; plus strand), SOX10 (SRY-box transcription factor 10; minus strand). Cytogenetic location: 22q13.1.
Variant type: single nucleotide variant.
Coding change: c.1090C>T on transcript NM_006941.4 (MANE Select); coding-DNA position 1090, C replaced by T.
Protein change: p.Gln364Ter; replaces glutamine 364 with a stop codon.
Molecular consequence: nonsense. On other transcripts: intron variant (3).
Genome position (GRCh38, 1-based): chr22:37,973,806, G>A on the plus strand (C>T on the coding strand, the complement: SOX10 is on the minus strand). VCF-style: chr22-37973806-G-A. GRCh37 (hg19) VCF-style: chr22-38369813-G-A.
Other names: c.*38+1496G>A (NM_001363825.1); c.293+6636G>A (NM_001301130.2, NM_001301131.2); short protein forms Q364*.
Identifiers: ClinVar variation 547785 (VCV000547785.8), dbSNP rs1555937400, ClinGen allele CA411491015.
Genomic context (GRCh38, chr22:37,973,806, plus strand): 5'-TGAGGGAGGTGTAGGCGATCTGTGAGGTGGATGGCTGGTCGGTGTAGTGTGGGGGCCCCT[G>A]GGGCCCCGCGGTCTCTGTCTTCACCTGGGCTTTGGCATCCACACCAGGTGGTGAGACCGT-3'

ClinVar aggregate classification (germline): Pathogenic/Likely pathogenic. Review status: criteria provided, multiple submitters, no conflicts (2 of 4 stars). 3 submissions from 3 submitters: Pathogenic (2); Likely pathogenic (1). Last evaluated 2024-10-25.

Conditions:
SOX10-related disorder. Also called: SOX10-related condition.
Waardenburg syndrome type 4C (WS4C). Also called: WAARDENBURG SYNDROME WITH HIRSCHSPRUNG DISEASE, TYPE 4C. Identifiers: Orphanet 897, MedGen C2750452, MONDO:0013202, OMIM 613266.

Submissions (3):

3billion
Classification: Likely pathogenic for SOX10-related disorder. Last evaluated: 2024-10-25. Review status: criteria provided, single submitter. Criteria: ACMG Guidelines, 2015. Collection method: clinical testing. Allele origin: germline. Affected: yes.
Comment: The variant is not observed in the gnomAD v4.1.0 dataset. Predicted Consequence/Location: Stop-gained (nonsense): predicted to result in a loss or disruption of normal protein function through protein truncation. The predicted truncated protein may be shortened by more than 10%. The variant has been reported at least twice as pathogenic without evidence for the classification (ClinVar ID: VCV000547785 /PMID: 15004559). Therefore, this variant is classified as Likely pathogenic according to the recommendation of ACMG/AMP guideline.

Labcorp Genetics (formerly Invitae), Labcorp
Classification: Pathogenic. Last evaluated: 2022-09-26. Review status: criteria provided, single submitter. Criteria: Invitae Variant Classification Sherloc (09022015). Collection method: clinical testing. Allele origin: germline.
Comment: This sequence change creates a premature translational stop signal (p.Gln364*) in the SOX10 gene. While this is not anticipated to result in nonsense mediated decay, it is expected to disrupt the last 103 amino acid(s) of the SOX10 protein. This variant is not present in population databases (gnomAD no frequency). This premature translational stop signal has been observed in individual(s) with SOX10-related conditions (PMID: 15004559). In at least one individual the variant was observed to be de novo. ClinVar contains an entry for this variant (Variation ID: 547785). Algorithms developed to predict the effect of variants on protein structure and function are not available or were not evaluated for this variant. Experimental studies have shown that this premature translational stop signal affects SOX10 function (PMID: 15004559). For these reasons, this variant has been classified as Pathogenic.

Center for Human Genetics, Inc
Classification: Pathogenic for Waardenburg syndrome type 4C. Last evaluated: 2016-11-01. Review status: criteria provided, single submitter. Criteria: ACMG Guidelines, 2015. Collection method: clinical testing. Allele origin: germline. Affected: yes.

Literature cited by the submitters: PubMed 15004559 (cited by 3billion and Labcorp Genetics (formerly Invitae), Labcorp).